The following is an entry in ClinVar:

ClinVar aggregate classification (germline): Uncertain significance. Review status: criteria provided, multiple submitters, no conflicts (2 of 4 stars). 2 submissions from 2 submitters: Uncertain significance (2). Last evaluated 2025-12-04.

Conditions:
Inborn genetic diseases. Identifiers: MedGen C0950123, MeSH D030342.

Allele frequency attached by ClinVar (database versions not stated): TOPMed below 0.00001; gnomAD 0.00002.
gnomAD v4.1: 14 of 1,613,606 alleles (0.00087%); highest among the groups gnomAD compares: East Asian, 0.016%; no homozygotes.

Submissions (2):

Ambry Genetics
Classification: Uncertain significance for Inborn genetic diseases. Last evaluated: 2025-12-04. Review status: criteria provided, single submitter. Criteria: Ambry Variant Classification Scheme 2023. Collection method: clinical testing. Allele origin: germline.

Labcorp Genetics (formerly Invitae), Labcorp
Classification: Uncertain significance. Last evaluated: 2025-10-13. Review status: criteria provided, single submitter. Criteria: Invitae Variant Classification Sherloc (09022015). Collection method: clinical testing. Allele origin: germline.
Comment: This sequence change replaces glutamine, which is neutral and polar, with lysine, which is basic and polar, at codon 856 of the ANKRD26 protein (p.Gln856Lys). This variant is present in population databases (no rsID available, gnomAD 0.02%). This variant has not been reported in the literature in individuals affected with ANKRD26-related conditions. ClinVar contains an entry for this variant (Variation ID: 1987014). An algorithm developed to predict the effect of missense changes on protein structure and function (PolyPhen-2) suggests that this variant is likely to be tolerated. In summary, the available evidence is currently insufficient to determine the role of this variant in disease. Therefore, it has been classified as a Variant of Uncertain Significance.

NM_014915.3(ANKRD26):c.2566C>A (p.Gln856Lys)

Gene: ANKRD26 (ankyrin repeat domain 26; minus strand). Cytogenetic location: 10p12.1.
Variant type: single nucleotide variant.
Coding change: c.2566C>A on transcript NM_014915.3 (MANE Select); coding-DNA position 2566, C replaced by A.
Protein change: p.Gln856Lys; replaces glutamine 856 with lysine.
Molecular consequence: missense variant.
Genome position (GRCh38, 1-based): chr10:27,037,317, G>T on the plus strand (C>A on the coding strand, the complement: ANKRD26 is on the minus strand). VCF-style: chr10-27037317-G-T. GRCh37 (hg19) VCF-style: chr10-27326246-G-T.
Other names: c.2563C>A, p.Gln855Lys (NM_001256053.2); short protein forms Q856K, Q855K.
Identifiers: ClinVar variation 1987014 (VCV001987014.6), dbSNP rs1490551822, ClinGen allele CA376366459.